The following is an entry in ClinVar:

NM_003070.5(SMARCA2):c.4168A>G (p.Ile1390Val)

Gene: SMARCA2 (SWI/SNF related BAF chromatin remodeling complex subunit ATPase 2; plus strand). Cytogenetic location: 9p24.3.
Variant type: single nucleotide variant.
Coding change: c.4168A>G on transcript NM_003070.5 (MANE Select); coding-DNA position 4168, A replaced by G.
Protein change: p.Ile1390Val; replaces isoleucine 1390 with valine.
Molecular consequence: missense variant.
Genome position (GRCh38, 1-based): chr9:2,161,872, A>G. VCF-style: chr9-2161872-A-G. GRCh37 (hg19) VCF-style: chr9-2161872-A-G.
Other names: c.4168A>G, p.Ile1390Val (NM_001289396.2, NM_139045.4); c.3994A>G, p.Ile1332Val (NM_001289397.2); c.196A>G, p.Ile66Val (NM_001289398.2); c.280A>G, p.Ile94Val (NM_001289399.2); c.286A>G, p.Ile96Val (NM_001289400.2); short protein forms I1332V, I94V, I1390V, I66V, I96V.
Identifiers: ClinVar variation 3669617 (VCV003669617.2).

ClinVar aggregate classification (germline): Uncertain significance (1 of 4 stars; one submission).

gnomAD v4.1: 7 of 1,614,076 alleles (0.00043%); highest among the groups gnomAD compares: Non-Finnish European, 0.00059%; no homozygotes.

Submission:

Labcorp Genetics (formerly Invitae), Labcorp
Classification: Uncertain significance. Last evaluated: 2024-09-27. Review status: criteria provided, single submitter. Criteria: Invitae Variant Classification Sherloc (09022015). Collection method: clinical testing. Allele origin: germline.
Comment: This sequence change replaces isoleucine, which is neutral and non-polar, with valine, which is neutral and non-polar, at codon 1390 of the SMARCA2 protein (p.Ile1390Val). This variant is not present in population databases (gnomAD no frequency). This variant has not been reported in the literature in individuals affected with SMARCA2-related conditions. Invitae Evidence Modeling of protein sequence and biophysical properties (such as structural, functional, and spatial information, amino acid conservation, physicochemical variation, residue mobility, and thermodynamic stability) indicates that this missense variant is not expected to disrupt SMARCA2 protein function with a negative predictive value of 80%. In summary, the available evidence is currently insufficient to determine the role of this variant in disease. Therefore, it has been classified as a Variant of Uncertain Significance.